The following is an entry in ClinVar:

NM_001199753.2(CPT1C):c.862C>T (p.Arg288Cys)

Gene: CPT1C (carnitine palmitoyltransferase 1C; plus strand). Cytogenetic location: 19q13.33.
Variant type: single nucleotide variant.
Coding change: c.862C>T on transcript NM_001199753.2 (MANE Select); coding-DNA position 862, C replaced by T.
Protein change: p.Arg288Cys; replaces arginine 288 with cysteine.
Molecular consequence: missense variant. On other transcripts: non-coding transcript variant (1).
Genome position (GRCh38, 1-based): chr19:49,705,097, C>T. VCF-style: chr19-49705097-C-T. GRCh37 (hg19) VCF-style: chr19-50208354-C-T.
Other names: c.829C>T, p.Arg277Cys (NM_001136052.3, NM_001378482.1, NM_001378485.1 and 1 more transcripts); c.862C>T, p.Arg288Cys (NM_001199752.3, NM_001378483.1, NM_001378484.1 and 3 more transcripts); c.862C>T (NM_001199752.1); short protein forms R277C, R288C.
Identifiers: ClinVar variation 2968157 (VCV002968157.4), dbSNP rs774595895, ClinGen allele CA9581981.

ClinVar aggregate classification (germline): Uncertain significance. Review status: criteria provided, multiple submitters, no conflicts (2 of 4 stars). 2 submissions from 2 submitters: Uncertain significance (2). Last evaluated 2025-12-09.

Conditions:
Hereditary spastic paraplegia 73. Also called: Spastic paraplegia 73, autosomal dominant. Identifiers: Orphanet 444099, MedGen C5568981, MONDO:0014568, OMIM 616282.

Allele frequency attached by ClinVar (database versions not stated): TOPMed 0.00004.
gnomAD v4.1: 121 of 1,613,920 alleles (0.0075%); highest among the groups gnomAD compares: Middle Eastern, 0.082%; 1 homozygote.

Submissions (2):

Labcorp Genetics (formerly Invitae), Labcorp
Classification: Uncertain significance for Hereditary spastic paraplegia 73. Last evaluated: 2025-12-09. Review status: criteria provided, single submitter. Criteria: Invitae Variant Classification Sherloc (09022015). Collection method: clinical testing. Allele origin: germline.
Comment: This sequence change replaces arginine, which is basic and polar, with cysteine, which is neutral and slightly polar, at codon 277 of the CPT1C protein (p.Arg277Cys). This variant is present in population databases (rs774595895, gnomAD 0.02%). This variant has not been reported in the literature in individuals affected with CPT1C-related conditions. ClinVar contains an entry for this variant (Variation ID: 2968157). Invitae Evidence Modeling of protein sequence and biophysical properties (such as structural, functional, and spatial information, amino acid conservation, physicochemical variation, residue mobility, and thermodynamic stability) has been performed for this missense variant. However, the output from this modeling did not meet the statistical confidence thresholds required to predict the impact of this variant on CPT1C protein function. In summary, the available evidence is currently insufficient to determine the role of this variant in disease. Therefore, it has been classified as a Variant of Uncertain Significance.

Ambry Genetics
Classification: Uncertain significance. Last evaluated: 2021-10-26. Review status: criteria provided, single submitter. Criteria: Ambry Variant Classification Scheme 2023. Collection method: clinical testing. Allele origin: germline.